The following is an entry in ClinVar:

NM_001470.4(GABBR1):c.175G>C (p.Val59Leu)

Gene: GABBR1 (gamma-aminobutyric acid type B receptor subunit 1; minus strand). Cytogenetic location: 6p22.1.
Variant type: single nucleotide variant.
Coding change: c.175G>C on transcript NM_001470.4 (MANE Select); coding-DNA position 175, G replaced by C.
Protein change: p.Val59Leu; replaces valine 59 with leucine.
Molecular consequence: missense variant. On other transcripts: 5 prime UTR variant (1).
Genome position (GRCh38, 1-based): chr6:29,631,510, C>G on the plus strand (G>C on the coding strand, the complement: GABBR1 is on the minus strand). VCF-style: chr6-29631510-C-G. GRCh37 (hg19) VCF-style: chr6-29599287-C-G.
Other names: c.-293G>C (NM_001319053.2); c.175G>C, p.Val59Leu (NM_021904.4); short protein forms V59L.
Identifiers: ClinVar variation 4756048 (VCV004756048.1).

ClinVar aggregate classification (germline): Uncertain significance (1 of 4 stars; one submission).

Submission:

GeneDx
Classification: Uncertain significance. Last evaluated: 2025-08-09. Review status: criteria provided, single submitter. Criteria: GeneDx Variant Classification Process June 2021. Collection method: clinical testing. Allele origin: germline. Affected: yes.
Comment: Not observed at significant frequency in large population cohorts (gnomAD); In silico analysis suggests that this missense variant does not alter protein structure/function; Has not been previously published as pathogenic or benign to our knowledge